The following is an entry in ClinVar:

ClinVar aggregate classification (germline): Pathogenic (1 of 4 stars; one submission).

Submission:

GeneDx
Classification: Pathogenic. Last evaluated: 2015-07-30. Review status: criteria provided, single submitter. Criteria: GeneDx Variant Classification (06012015). Collection method: clinical testing. Allele origin: germline. Affected: yes.
Comment: The c.3730delG deletion in the KMT2D gene has been reported previously in association with Kabukisyndrome (Micale et al., 2014). The deletion causes a frameshift starting with codon Valine 1244, changes this amino acid to a Serine residue and creates a premature Stop codon at position 86 of the new reading frame, denoted p.Val1244SerfsX86. This deletion is predicted to cause loss of normal protein function either through protein truncation or nonsense-mediated mRNA decay. Therefore, we interpret c.3730delG as a pathogenic variant.

NM_003482.4(KMT2D):c.3730del (p.Val1244fs)

Genes: KMT2D (lysine methyltransferase 2D; minus strand), LOC126861520 (CDK7 strongly-dependent group 2 enhancer GRCh37_chr12:49442744-49443943; plus strand). Cytogenetic location: 12q13.12.
Variant type: Deletion.
Coding change: c.3730del on transcript NM_003482.4 (MANE Select); coding-DNA position 3730, one base deleted (G; older notation c.3730delG).
Protein change: p.Val1244fs; shifts the reading frame from valine 1244.
Molecular consequence: frameshift variant.
Genome position (GRCh38, 1-based): chr12:49,049,858, C deleted on the plus strand (G on the coding strand, the reverse complement: KMT2D is on the minus strand); the first of 5 consecutive C bases (chr12:49,049,858-49,049,862); deleting any one gives the same sequence. VCF-style (leftmost placement, unchanged base first): chr12-49049857-AC-A. GRCh37 (hg19) VCF-style: chr12-49443640-AC-A.
Other names: c.3730delG (NM_003482.3); short protein forms V1244fs.
Identifiers: ClinVar variation 419636 (VCV000419636.2), dbSNP rs1064794007, ClinGen allele CA16619541.
Genomic context (GRCh38, chr12:49,049,857, plus strand): 5'-AGTGAGTCAGTACAGAGCCGTAGGGAGCCCTCATCTCGGGCTGGACTAACATCCGTAGAG[AC>A]CCCCAACTCCATGGACAGGGAGCCACCCCCCTCCGGGTCTGGAGAGCCCAGGAGGGGCTC-3'